The following is an entry in ClinVar:

ClinVar aggregate classification (germline): Pathogenic (1 of 4 stars; one submission).

Submission:

CeGaT Center for Human Genetics Tuebingen
Classification: Pathogenic. Last evaluated: 2023-05-01. Review status: criteria provided, single submitter. Criteria: CeGaT Center For Human Genetics Tuebingen Variant Classification Criteria Version 2. Collection method: clinical testing. Allele origin: germline. Affected: yes. Observed: 1 variant allele.
Comment: ASH1L: PVS1, PM2

NM_018489.3(ASH1L):c.4656_4659del (p.Glu1553fs)

Gene: ASH1L (ASH1 like histone lysine methyltransferase; minus strand). Cytogenetic location: 1q22.
Variant type: Microsatellite.
Coding change: c.4656_4659del on transcript NM_018489.3 (MANE Select); coding-DNA positions 4656 to 4659, 4 bases deleted (AGAG; older notation c.4656_4659delAGAG).
Protein change: p.Glu1553fs; shifts the reading frame from glutamic acid 1553.
Molecular consequence: frameshift variant.
Genome position (GRCh38, 1-based): chr1:155,478,211-155,478,214, CTCT deleted on the plus strand (AGAG on the coding strand, the reverse complement: ASH1L is on the minus strand); deleting any 4 consecutive bases within chr1:155,478,211-155,478,216 gives the same sequence; the c. name uses the placement nearest the transcript's 3' end. VCF-style (leftmost placement, unchanged base first): chr1-155478210-CCTCT-C. GRCh37 (hg19) VCF-style: chr1-155448001-CCTCT-C.
Other names: c.4656_4659del, p.Glu1553fs (NM_001366177.2); short protein forms E1553fs.
Identifiers: ClinVar variation 2570737 (VCV002570737.27), dbSNP rs2527146010, ClinGen allele CA2580612560.